The following is an entry in ClinVar:

ClinVar aggregate classification (germline): Likely benign. Review status: criteria provided, multiple submitters, no conflicts (2 of 4 stars). 2 submissions from 2 submitters: Likely benign (2). Last evaluated 2025-12-22.

Conditions:
Hereditary spastic paraplegia 43. Also called: Spastic paraplegia 43, autosomal recessive. Identifiers: Orphanet 320370, MedGen C2680446, MONDO:0014024, OMIM 615043.
C19orf12-related disorder. Also called: C19orf12-related condition.

Allele frequency attached by ClinVar (database versions not stated): TOPMed 0.00011; ExAC 0.00003; gnomAD exomes 0.00004; gnomAD 0.00011.
gnomAD v4.1: 84 of 1,613,710 alleles (0.0052%); highest among the groups gnomAD compares: African/African-American, 0.037%; no homozygotes.

Submissions (2):

PreventionGenetics, part of Exact Sciences
Classification: Likely benign for C19orf12-related condition. Last evaluated: 2025-12-22. Review status: criteria provided, single submitter. Criteria: ACMG Guidelines, 2015. Collection method: clinical testing. Allele origin: germline.
Comment: This variant is classified as likely benign based on ACMG/AMP sequence variant interpretation guidelines (Richards et al. 2015 PMID: 25741868, with internal and published modifications).

Labcorp Genetics (formerly Invitae), Labcorp
Classification: Likely benign for Hereditary spastic paraplegia 43. Last evaluated: 2023-11-12. Review status: criteria provided, single submitter. Criteria: Invitae Variant Classification Sherloc (09022015). Collection method: clinical testing. Allele origin: germline.

NM_031448.6(C19orf12):c.342C>T (p.Ser114=)

Gene: C19orf12 (chromosome 19 open reading frame 12; minus strand). Cytogenetic location: 19q12.
Variant type: single nucleotide variant.
Coding change: c.342C>T on transcript NM_031448.6 (MANE Select); coding-DNA position 342, C replaced by T.
Protein change: p.Ser114=; no amino-acid change (serine 114 retained).
Molecular consequence: synonymous variant. On other transcripts: intron variant (1).
Genome position (GRCh38, 1-based): chr19:29,702,796, G>A on the plus strand (C>T on the coding strand, the complement: C19orf12 is on the minus strand). VCF-style: chr19-29702796-G-A. GRCh37 (hg19) VCF-style: chr19-30193703-G-A.
Other names: c.342C>T, p.Ser114= (NM_001031726.4, NM_001256047.2); c.150C>T, p.Ser50= (NM_001282929.1, NM_001282930.3, NM_001282931.3); c.291-4C>T (NM_001256046.3); c.375C>T (NM_001031726.3).
Identifiers: ClinVar variation 2077950 (VCV002077950.5), dbSNP rs761692917, ClinGen allele CA9351877.